The following is an entry in ClinVar:

NM_000257.4(MYH7):c.716A>C (p.Asp239Ala)

Gene: MYH7 (myosin heavy chain 7; minus strand). Cytogenetic location: 14q11.2.
Variant type: single nucleotide variant.
Coding change: c.716A>C on transcript NM_000257.4 (MANE Select); coding-DNA position 716, A replaced by C.
Protein change: p.Asp239Ala; replaces aspartic acid 239 with alanine.
Molecular consequence: missense variant.
Genome position (GRCh38, 1-based): chr14:23,431,601, T>G on the plus strand (A>C on the coding strand, the complement: MYH7 is on the minus strand). VCF-style: chr14-23431601-T-G. GRCh37 (hg19) VCF-style: chr14-23900810-T-G.
Other names: short protein forms D239A.
Identifiers: ClinVar variation 1395941 (VCV001395941.10), dbSNP rs2138681668, ClinGen allele CA389052201.

ClinVar aggregate classification (germline): Conflicting classifications of pathogenicity. Review status: criteria provided, conflicting classifications (1 of 4 stars). 2 submissions from 2 submitters: Likely pathogenic (1); Uncertain significance (1). Last evaluated 2026-03-01.

Conditions:
Hypertrophic cardiomyopathy. Also called: HYPERTROPHIC MYOCARDIOPATHY. Identifiers: Orphanet 217569, MedGen C0007194, MeSH D002312, MONDO:0005045, HP:0001639.

Submissions (2):

CeGaT Center for Human Genetics Tuebingen
Classification: Likely pathogenic. Last evaluated: 2026-03-01. Review status: criteria provided, single submitter. Criteria: CeGaT Center For Human Genetics Tuebingen Variant Classification Criteria Version 2. Collection method: clinical testing. Allele origin: germline. Affected: yes. Observed: 1 variant allele.
Comment: MYH7: PM1, PM2, PM5, PP3

Labcorp Genetics (formerly Invitae), Labcorp
Classification: Uncertain significance for Hypertrophic cardiomyopathy. Last evaluated: 2021-12-01. Review status: criteria provided, single submitter. Criteria: Invitae Variant Classification Sherloc (09022015). Collection method: clinical testing. Allele origin: germline.
Comment: This sequence change replaces aspartic acid, which is acidic and polar, with alanine, which is neutral and non-polar, at codon 239 of the MYH7 protein (p.Asp239Ala). This variant is not present in population databases (gnomAD no frequency). This variant has not been reported in the literature in individuals affected with MYH7-related conditions. Algorithms developed to predict the effect of missense changes on protein structure and function are either unavailable or do not agree on the potential impact of this missense change (SIFT: "Deleterious"; PolyPhen-2: "Probably Damaging"; Align-GVGD: "Class C0"). This variant disrupts the p.Asp239 amino acid residue in MYH7. Other variant(s) that disrupt this residue have been determined to be pathogenic (PMID: 20031618, 21896538, 26914223, 27247418). This suggests that this residue is clinically significant, and that variants that disrupt this residue are likely to be disease-causing. In summary, the available evidence is currently insufficient to determine the role of this variant in disease. Therefore, it has been classified as a Variant of Uncertain Significance. This variant is found within a region of MYH7 between codons 181 and 937 that contains the majority of the myosin head domain. Missense variants in this region have been shown to be significantly overrepresented in individuals with hypertrophic cardiomyopathy (PMID: 27532257).

Literature cited by the submitters: PubMed 20031618 (cited by Labcorp Genetics (formerly Invitae), Labcorp); PubMed 21896538 (cited by Labcorp Genetics (formerly Invitae), Labcorp); PubMed 26914223 (cited by Labcorp Genetics (formerly Invitae), Labcorp); PubMed 27247418 (cited by Labcorp Genetics (formerly Invitae), Labcorp); PubMed 27532257 (cited by Labcorp Genetics (formerly Invitae), Labcorp).